The following is an entry in ClinVar:

ClinVar aggregate classification (germline): Likely pathogenic (1 of 4 stars; one submission).

Conditions:
Primary ciliary dyskinesia. Also called: Ciliary dyskinesia. Identifiers: Orphanet 244, MedGen C0008780, MONDO:0016575, HP:0012265.

gnomAD v4.1: 3 of 1,614,190 alleles (0.00019%); highest among the groups gnomAD compares: Non-Finnish European, 0.00025%; no homozygotes.

Submission:

Natera, Inc.
Classification: Likely pathogenic for Primary ciliary dyskinesia. Last evaluated: 2024-12-13. Review status: criteria provided, single submitter. Criteria: Natera Variant Classification Schema (03/2026). Collection method: clinical testing. Allele origin: germline.
Comment: The c.1157G>A variant in DNAI2 is a nonsense variant predicted to introduce a stop codon at amino acid 386. This variant is expected to result in nonsense mediated decay, truncation, or a dysfunctional protein product. This variant is rare in the general population with a frequency below the threshold expected for the associated phenotype(s). Given the available evidence, this variant is classified as Likely Pathogenic.

NM_023036.6(DNAI2):c.1157G>A (p.Trp386Ter)

Gene: DNAI2 (dynein axonemal intermediate chain 2; plus strand). Cytogenetic location: 17q25.1.
Variant type: single nucleotide variant.
Coding change: c.1157G>A on transcript NM_023036.6 (MANE Select); coding-DNA position 1157, G replaced by A.
Protein change: p.Trp386Ter; replaces tryptophan 386 with a stop codon.
Molecular consequence: nonsense. On other transcripts: non-coding transcript variant (1).
Genome position (GRCh38, 1-based): chr17:74,305,388, G>A. VCF-style: chr17-74305388-G-A. GRCh37 (hg19) VCF-style: chr17-72301527-G-A.
Other names: c.1157G>A, p.Trp386Ter (NM_001172810.3, NM_001353167.2); short protein forms W386*.
Identifiers: ClinVar variation 4816112 (VCV004816112.1).
Genomic context (GRCh38, chr17:74,305,388, plus strand): 5'-CCATCTACGCCCTCCAGAGAAACCCCTTCTACCCGAAGAACTTCCTGACGGTTGGCGACT[G>A]GACAGCCCGCATTTGGTCTGAAGACAGCCGGGAATCGTCCATCATGTGGACCAAGTAAGA-3'